The following is an entry in ClinVar:

NM_001364905.1(LRBA):c.7450G>A (p.Val2484Met)

Gene: LRBA (LPS responsive beige-like anchor protein; minus strand). Cytogenetic location: 4q31.3.
Variant type: single nucleotide variant.
Coding change: c.7450G>A on transcript NM_001364905.1 (MANE Select); coding-DNA position 7450, G replaced by A.
Protein change: p.Val2484Met; replaces valine 2484 with methionine.
Molecular consequence: missense variant.
Genome position (GRCh38, 1-based): chr4:150,325,811, C>T on the plus strand (G>A on the coding strand, the complement: LRBA is on the minus strand). VCF-style: chr4-150325811-C-T. GRCh37 (hg19) VCF-style: chr4-151246963-C-T.
Other names: c.7450G>A, p.Val2484Met (NM_001199282.3, NM_001367550.1); c.7483G>A, p.Val2495Met (NM_006726.5); short protein forms V2495M, V2484M.
Identifiers: ClinVar variation 2092302 (VCV002092302.4), dbSNP rs369175165, ClinGen allele CA3101647.
Genomic context (GRCh38, chr4:150,325,811, plus strand): 5'-AATATCAAGCGGATCTGAAGGAGAGGCAAGAAATGAGGAGAGTAAAAATAGCACTTACCA[C>T]TTGCATGGCAGAACCTCTGGGAGGATGGGGCTCTATGAGTAGTTGAGAAGGAGTCTGTCC-3'
Protein context (NP_001351834.1, residues 2474-2494): PHPPRGSAMQ[Val2484Met]SPLMFTDKAQ

ClinVar aggregate classification (germline): Uncertain significance (1 of 4 stars; one submission).

Conditions:
Combined immunodeficiency due to LRBA deficiency. Also called: Common variable immunodeficiency 8, with autoimmunity. Identifiers: Orphanet 445018, MedGen C3553512, MONDO:0013863, OMIM 614700.

Allele frequency attached by ClinVar (database versions not stated): TOPMed below 0.00001; ExAC 0.00001; gnomAD 0.00001; ESP Exome Variant Server 0.00008.
gnomAD v4.1: 2 of 1,609,510 alleles (0.00012%); highest among the groups gnomAD compares: African/African-American, 0.0013%; no homozygotes.

Submission:

Labcorp Genetics (formerly Invitae), Labcorp
Classification: Uncertain significance for Combined immunodeficiency due to LRBA deficiency. Last evaluated: 2022-02-03. Review status: criteria provided, single submitter. Criteria: Invitae Variant Classification Sherloc (09022015). Collection method: clinical testing. Allele origin: germline.
Comment: Algorithms developed to predict the effect of missense changes on protein structure and function output the following: SIFT: "Tolerated"; PolyPhen-2: "Benign"; Align-GVGD: "Class C0". The methionine amino acid residue is found in multiple mammalian species, which suggests that this missense change does not adversely affect protein function. This variant has not been reported in the literature in individuals affected with LRBA-related conditions. This variant is present in population databases (rs369175165, gnomAD 0.007%). This sequence change replaces valine, which is neutral and non-polar, with methionine, which is neutral and non-polar, at codon 2495 of the LRBA protein (p.Val2495Met). In summary, the available evidence is currently insufficient to determine the role of this variant in disease. Therefore, it has been classified as a Variant of Uncertain Significance.